The following is an entry in ClinVar:

ClinVar aggregate classification (germline): Uncertain significance (1 of 4 stars; one submission).

Conditions:
Biotin-responsive basal ganglia disease (BTBGD). Also called: Thiamine Transporter-2 Deficiency; Thiamine metabolism dysfunction syndrome type 2; THIAMINE METABOLISM DYSFUNCTION SYNDROME 2 (BIOTIN- AND THIAMINE-RESPONSIVE TYPE); Thiamine metabolism dysfunction syndrome 2 (biotin- or thiamine-responsive encephalopathy type 2); thiamine-responsive encephalopathy. Identifiers: Orphanet 199348, Orphanet 65284, MedGen C1843807, MONDO:0011841, OMIM 607483.

Submission:

Labcorp Genetics (formerly Invitae), Labcorp
Classification: Uncertain significance for Biotin-responsive basal ganglia disease. Last evaluated: 2022-06-05. Review status: criteria provided, single submitter. Criteria: Invitae Variant Classification Sherloc (09022015). Collection method: clinical testing. Allele origin: germline.
Comment: This sequence change replaces asparagine, which is neutral and polar, with aspartic acid, which is acidic and polar, at codon 256 of the SLC19A3 protein (p.Asn256Asp). This variant is not present in population databases (gnomAD no frequency). This variant has not been reported in the literature in individuals affected with SLC19A3-related conditions. ClinVar contains an entry for this variant (Variation ID: 1475895). Advanced modeling of protein sequence and biophysical properties (such as structural, functional, and spatial information, amino acid conservation, physicochemical variation, residue mobility, and thermodynamic stability) performed at Invitae indicates that this missense variant is not expected to disrupt SLC19A3 protein function. In summary, the available evidence is currently insufficient to determine the role of this variant in disease. Therefore, it has been classified as a Variant of Uncertain Significance.

NM_025243.4(SLC19A3):c.766A>G (p.Asn256Asp)

Gene: SLC19A3 (solute carrier family 19 member 3; minus strand). Cytogenetic location: 2q36.3.
Variant type: single nucleotide variant.
Coding change: c.766A>G on transcript NM_025243.4 (MANE Select); coding-DNA position 766, A replaced by G.
Protein change: p.Asn256Asp; replaces asparagine 256 with aspartic acid.
Molecular consequence: missense variant.
Genome position (GRCh38, 1-based): chr2:227,698,949, T>C on the plus strand (A>G on the coding strand, the complement: SLC19A3 is on the minus strand). VCF-style: chr2-227698949-T-C. GRCh37 (hg19) VCF-style: chr2-228563665-T-C.
Other names: c.766A>G, p.Asn256Asp (NM_001371411.1, NM_001371412.1); c.754A>G, p.Asn252Asp (NM_001371413.1, NM_001371414.1); short protein forms N252D, N256D.
Identifiers: ClinVar variation 1475895 (VCV001475895.6), dbSNP rs2106328758, ClinGen allele CA350876525.